The following is an entry in ClinVar:

ClinVar aggregate classification (germline): Uncertain significance (1 of 4 stars; one submission).

Conditions:
Axenfeld-Rieger syndrome type 3 (RIEG3). Also called: AXENFELD-RIEGER ANOMALY WITH CARDIAC DEFECTS AND/OR SENSORINEURAL HEARING LOSS. Identifiers: Orphanet 782, MedGen C2678503, MONDO:0011233, OMIM 602482.

Submission:

Labcorp Genetics (formerly Invitae), Labcorp
Classification: Uncertain significance for Axenfeld-Rieger syndrome type 3. Last evaluated: 2024-08-29. Review status: criteria provided, single submitter. Criteria: Invitae Variant Classification Sherloc (09022015). Collection method: clinical testing. Allele origin: germline.
Comment: This sequence change replaces glycine, which is neutral and non-polar, with alanine, which is neutral and non-polar, at codon 483 of the FOXC1 protein (p.Gly483Ala). This variant is not present in population databases (gnomAD no frequency). This variant has not been reported in the literature in individuals affected with FOXC1-related conditions. An algorithm developed to predict the effect of missense changes on protein structure and function (PolyPhen-2) suggests that this variant is likely to be tolerated. In summary, the available evidence is currently insufficient to determine the role of this variant in disease. Therefore, it has been classified as a Variant of Uncertain Significance.

NM_001453.3(FOXC1):c.1448G>C (p.Gly483Ala)

Gene: FOXC1 (forkhead box C1; plus strand). Cytogenetic location: 6p25.3.
Variant type: single nucleotide variant.
Coding change: c.1448G>C on transcript NM_001453.3 (MANE Select); coding-DNA position 1448, G replaced by C.
Protein change: p.Gly483Ala; replaces glycine 483 with alanine.
Molecular consequence: missense variant.
Genome position (GRCh38, 1-based): chr6:1,611,893, G>C. VCF-style: chr6-1611893-G-C. GRCh37 (hg19) VCF-style: chr6-1612128-G-C.
Other names: short protein forms G483A.
Identifiers: ClinVar variation 3661980 (VCV003661980.2).